The following is an entry in ClinVar:

ClinVar aggregate classification (germline): Uncertain significance. Review status: criteria provided, multiple submitters, no conflicts (2 of 4 stars). 2 submissions from 2 submitters: Uncertain significance (2). Last evaluated 2026-02-01.

Conditions:
Cardiovascular phenotype. Identifiers: MedGen CN230736.
Dilated cardiomyopathy 1J (CMD1J). Also called: CARDIOMYOPATHY, DILATED, WITH SENSORINEURAL HEARING LOSS, AUTOSOMAL DOMINANT. Identifiers: Orphanet 217622, MedGen C1854368, MONDO:0011541, OMIM 605362.

Allele frequency attached by ClinVar (database versions not stated): gnomAD exomes below 0.00001; gnomAD 0.00003; TOPMed 0.00003.
gnomAD v4.1: 8 of 1,613,582 alleles (0.0005%); highest among the groups gnomAD compares: African/African-American, 0.0093%; no homozygotes.

Submissions (2):

Labcorp Genetics (formerly Invitae), Labcorp
Classification: Uncertain significance for Dilated cardiomyopathy 1J. Last evaluated: 2026-02-01. Review status: criteria provided, single submitter. Criteria: Invitae Variant Classification Sherloc (09022015). Collection method: clinical testing. Allele origin: germline.
Comment: This sequence change replaces aspartic acid, which is acidic and polar, with asparagine, which is neutral and polar, at codon 6 of the EYA4 protein (p.Asp6Asn). This variant is present in population databases (no rsID available, gnomAD 0.007%). This variant has not been reported in the literature in individuals affected with EYA4-related conditions. ClinVar contains an entry for this variant (Variation ID: 518530). An algorithm developed to predict the effect of missense changes on protein structure and function (PolyPhen-2) suggests that this variant is likely to be disruptive. In summary, the available evidence is currently insufficient to determine the role of this variant in disease. Therefore, it has been classified as a Variant of Uncertain Significance.

Ambry Genetics
Classification: Uncertain significance for Cardiovascular phenotype. Last evaluated: 2016-05-31. Review status: criteria provided, single submitter. Criteria: Ambry Variant Classification Scheme 2023. Collection method: clinical testing. Allele origin: germline.
Comment: The p.D6N variant (also known as c.16G>A), located in coding exon 1 of the EYA4 gene, results from a G to A substitution at nucleotide position 16. The aspartic acid at codon 6 is replaced by asparagine, an amino acid with highly similar properties. This variant was not reported in population based cohorts in the following databases: Database of Single Nucleotide Polymorphisms (dbSNP), NHLBI Exome Sequencing Project (ESP), and 1000 Genomes Project. In the ESP, this variant was not observed in 6503 samples (13006 alleles) with coverage at this position. This amino acid position is highly conserved in available vertebrate species. In addition, this alteration is predicted to be tolerated by in silico analysis. Since supporting evidence is limited at this time, the clinical significance of this variant remains unclear.

NM_004100.5(EYA4):c.16G>A (p.Asp6Asn)

Gene: EYA4 (EYA transcriptional coactivator and phosphatase 4; plus strand). Cytogenetic location: 6q23.2.
Variant type: single nucleotide variant.
Coding change: c.16G>A on transcript NM_004100.5 (MANE Select); coding-DNA position 16, G replaced by A.
Protein change: p.Asp6Asn; replaces aspartic acid 6 with asparagine.
Molecular consequence: missense variant.
Genome position (GRCh38, 1-based): chr6:133,274,796, G>A. VCF-style: chr6-133274796-G-A. GRCh37 (hg19) VCF-style: chr6-133595934-G-A.
Other names: c.16G>A, p.Asp6Asn (NM_001301012.2, NM_001301013.2, NM_001370458.1 and 3 more transcripts); short protein forms D6N.
Identifiers: ClinVar variation 518530 (VCV000518530.9), dbSNP rs1253239225, ClinGen allele CA365837710.